The following is an entry in ClinVar:

NM_018706.7(DHTKD1):c.1565G>A (p.Trp522Ter)

Gene: DHTKD1 (dehydrogenase E1 and transketolase domain containing 1; plus strand). Cytogenetic location: 10p14.
Variant type: single nucleotide variant.
Coding change: c.1565G>A on transcript NM_018706.7 (MANE Select); coding-DNA position 1565, G replaced by A.
Protein change: p.Trp522Ter; replaces tryptophan 522 with a stop codon.
Molecular consequence: nonsense.
Genome position (GRCh38, 1-based): chr10:12,097,890, G>A. VCF-style: chr10-12097890-G-A. GRCh37 (hg19) VCF-style: chr10-12139889-G-A.
Other names: short protein forms W522*.
Identifiers: ClinVar variation 1941313 (VCV001941313.5), dbSNP rs2491491951, ClinGen allele CA376021561.

ClinVar aggregate classification (germline): Pathogenic (1 of 4 stars; one submission).

Conditions:
2-aminoadipic 2-oxoadipic aciduria (AAKAD). Also called: ALPHA-AMINOADIPIC AND ALPHA-KETOADIPIC ACIDURIA; Aminoadipic aciduria. Identifiers: Orphanet 79154, MedGen C1859817, MONDO:0008774, OMIM 204750.

Submission:

Labcorp Genetics (formerly Invitae), Labcorp
Classification: Pathogenic for 2-aminoadipic 2-oxoadipic aciduria. Last evaluated: 2022-10-23. Review status: criteria provided, single submitter. Criteria: Invitae Variant Classification Sherloc (09022015). Collection method: clinical testing. Allele origin: germline.
Comment: For these reasons, this variant has been classified as Pathogenic. This variant has not been reported in the literature in individuals affected with DHTKD1-related conditions. This variant is not present in population databases (gnomAD no frequency). This sequence change creates a premature translational stop signal (p.Trp522*) in the DHTKD1 gene. It is expected to result in an absent or disrupted protein product. Loss-of-function variants in DHTKD1 are known to be pathogenic (PMID: 23141293, 25860818).

Literature cited by the submitters: PubMed 23141293; PubMed 25860818.